The following is an entry in ClinVar:

ClinVar aggregate classification (germline): Uncertain significance. Review status: criteria provided, multiple submitters, no conflicts (2 of 4 stars). 2 submissions from 2 submitters: Uncertain significance (2). Last evaluated 2025-12-23.

Allele frequency attached by ClinVar (database versions not stated): gnomAD 0.00001; TOPMed 0.00001; gnomAD exomes 0.00002.
gnomAD v4.1: 15 of 1,613,986 alleles (0.00093%); highest among the groups gnomAD compares: Admixed American, 0.01%; no homozygotes.

Submissions (2):

Labcorp Genetics (formerly Invitae), Labcorp
Classification: Uncertain significance. Last evaluated: 2025-12-23. Review status: criteria provided, single submitter. Criteria: Invitae Variant Classification Sherloc (09022015). Collection method: clinical testing. Allele origin: germline.
Comment: This sequence change replaces aspartic acid, which is acidic and polar, with asparagine, which is neutral and polar, at codon 58 of the CACNA1D protein (p.Asp58Asn). This variant is present in population databases (no rsID available, gnomAD 0.009%). This variant has not been reported in the literature in individuals affected with CACNA1D-related conditions. ClinVar contains an entry for this variant (Variation ID: 1389616). An algorithm developed to predict the effect of missense changes on protein structure and function (PolyPhen-2) suggests that this variant is likely to be tolerated. In summary, the available evidence is currently insufficient to determine the role of this variant in disease. Therefore, it has been classified as a Variant of Uncertain Significance.

GeneDx
Classification: Uncertain significance. Last evaluated: 2022-02-14. Review status: criteria provided, single submitter. Criteria: GeneDx Variant Classification Process June 2021. Collection method: clinical testing. Allele origin: germline. Affected: yes.
Comment: In silico analysis supports that this missense variant does not alter protein structure/function; Has not been previously published as pathogenic or benign to our knowledge

NM_001128840.3(CACNA1D):c.172G>A (p.Asp58Asn)

Gene: CACNA1D (calcium voltage-gated channel subunit alpha1 D; plus strand). Cytogenetic location: 3p21.1.
Variant type: single nucleotide variant.
Coding change: c.172G>A on transcript NM_001128840.3 (MANE Select); coding-DNA position 172, G replaced by A.
Protein change: p.Asp58Asn; replaces aspartic acid 58 with asparagine.
Molecular consequence: missense variant.
Genome position (GRCh38, 1-based): chr3:53,497,256, G>A. VCF-style: chr3-53497256-G-A. GRCh37 (hg19) VCF-style: chr3-53531283-G-A.
Other names: c.172G>A, p.Asp58Asn (NM_000720.4, NM_001128839.3); short protein forms D58N.
Identifiers: ClinVar variation 1389616 (VCV001389616.7), dbSNP rs1471359438, ClinGen allele CA353381893.